The following is an entry in ClinVar:

NM_001372076.1(PAX9):c.720G>A (p.Ala240=)

Gene: PAX9 (paired box 9; plus strand). Cytogenetic location: 14q13.3.
Variant type: single nucleotide variant.
Coding change: c.720G>A on transcript NM_001372076.1 (MANE Select); coding-DNA position 720, G replaced by A.
Protein change: p.Ala240=; no amino-acid change (alanine 240 retained).
Molecular consequence: synonymous variant.
Genome position (GRCh38, 1-based): chr14:36,666,550, G>A. VCF-style: chr14-36666550-G-A. GRCh37 (hg19) VCF-style: chr14-37135755-G-A.
Other names: c.720G>A, p.Ala240= (NM_006194.4).
Identifiers: ClinVar variation 3349822 (VCV003349822.1).

ClinVar aggregate classification (germline): Likely benign (0 of 4 stars; one submission).

Conditions:
PAX9-related disorder. Also called: PAX9-related condition.

gnomAD v4.1: 7 of 1,583,346 alleles (0.00044%); highest among the groups gnomAD compares: Non-Finnish European, 0.0006%; no homozygotes.

Submission:

PreventionGenetics, part of Exact Sciences
Classification: Likely benign for PAX9-related condition. Last evaluated: 2020-01-29. Review status: no assertion criteria provided. Collection method: clinical testing. Allele origin: germline.
Comment: This variant is classified as likely benign based on ACMG/AMP sequence variant interpretation guidelines (Richards et al. 2015 PMID: 25741868, with internal and published modifications).